The following is an entry in ClinVar:

ClinVar aggregate classification (germline): Uncertain significance. Review status: criteria provided, multiple submitters, no conflicts (2 of 4 stars). 2 submissions from 2 submitters: Uncertain significance (2). Last evaluated 2025-10-23.

Allele frequency attached by ClinVar (database versions not stated): ESP Exome Variant Server 0.00017; gnomAD exomes 0.00018; gnomAD 0.00025; TOPMed 0.00031; ExAC 0.00041; 1000 Genomes Project 0.00060; 1000 Genomes Project 30x 0.00062.
gnomAD v4.1: 323 of 1,613,284 alleles (0.02%); highest among the groups gnomAD compares: Middle Eastern, 0.17%; 1 homozygote.

Submissions (2):

Labcorp Genetics (formerly Invitae), Labcorp
Classification: Uncertain significance. Last evaluated: 2025-10-23. Review status: criteria provided, single submitter. Criteria: Invitae Variant Classification Sherloc (09022015). Collection method: clinical testing. Allele origin: germline.
Comment: This sequence change replaces glutamic acid, which is acidic and polar, with glutamine, which is neutral and polar, at codon 1269 of the ZDBF2 protein (p.Glu1269Gln). This variant is present in population databases (rs200401599, gnomAD 0.05%). This variant has not been reported in the literature in individuals affected with ZDBF2-related conditions. ClinVar contains an entry for this variant (Variation ID: 2044004). An algorithm developed to predict the effect of missense changes on protein structure and function (PolyPhen-2) suggests that this variant is likely to be tolerated. In summary, the available evidence is currently insufficient to determine the role of this variant in disease. Therefore, it has been classified as a Variant of Uncertain Significance.

Ambry Genetics
Classification: Uncertain significance. Last evaluated: 2021-09-16. Review status: criteria provided, single submitter. Criteria: Ambry Variant Classification Scheme 2023. Collection method: clinical testing. Allele origin: germline.

NM_020923.3(ZDBF2):c.3805G>C (p.Glu1269Gln)

Gene: ZDBF2 (zinc finger DBF-type containing 2; plus strand). Cytogenetic location: 2q33.3.
Variant type: single nucleotide variant.
Coding change: c.3805G>C on transcript NM_020923.3 (MANE Select); coding-DNA position 3805, G replaced by C.
Protein change: p.Glu1269Gln; replaces glutamic acid 1269 with glutamine.
Molecular consequence: missense variant.
Genome position (GRCh38, 1-based): chr2:206,308,333, G>C. VCF-style: chr2-206308333-G-C. GRCh37 (hg19) VCF-style: chr2-207173057-G-C.
Other names: c.3799G>C, p.Glu1267Gln (NM_001285549.2); c.3805G>C, p.Glu1269Gln (NM_001369654.1); short protein forms E1267Q, E1269Q.
Identifiers: ClinVar variation 2044004 (VCV002044004.5), dbSNP rs200401599, ClinGen allele CA2072205.